The following is an entry in ClinVar:

ClinVar aggregate classification (germline): Likely benign. Review status: criteria provided, multiple submitters, no conflicts (2 of 4 stars). 3 submissions from 3 submitters: Likely benign (3). Last evaluated 2024-11-27.

Allele frequency attached by ClinVar (database versions not stated): gnomAD 0.00001 and 0.00002; gnomAD exomes 0.00001 and 0.00003; TOPMed 0.00001; ExAC 0.00002.
gnomAD v4.1: 26 of 1,613,840 alleles (0.0016%); highest among the groups gnomAD compares: Middle Eastern, 0.099%; no homozygotes.

Submissions (3):

Labcorp Genetics (formerly Invitae), Labcorp
Classification: Likely benign. Last evaluated: 2024-11-27. Review status: criteria provided, single submitter. Criteria: Invitae Variant Classification Sherloc (09022015). Collection method: clinical testing. Allele origin: germline.

CeGaT Center for Human Genetics Tuebingen
Classification: Likely benign. Last evaluated: 2022-03-01. Review status: criteria provided, single submitter. Criteria: CeGaT Center For Human Genetics Tuebingen Variant Classification Criteria Version 2. Collection method: clinical testing. Allele origin: germline. Affected: yes. Observed: 2 variant alleles.
Comment: SETD5: BP4, BP7

Genetic Services Laboratory, University of Chicago
Classification: Likely benign. Last evaluated: 2016-08-05. Review status: criteria provided, single submitter. Criteria: ACMG Guidelines, 2015. Collection method: clinical testing. Allele origin: germline. Affected: no.

NM_001080517.3(SETD5):c.693C>T (p.Asn231=)

Gene: SETD5 (SET domain containing 5; plus strand). Cytogenetic location: 3p25.3.
Variant type: single nucleotide variant.
Coding change: c.693C>T on transcript NM_001080517.3 (MANE Select); coding-DNA position 693, C replaced by T.
Protein change: p.Asn231=; no amino-acid change (asparagine 231 retained).
Molecular consequence: synonymous variant.
Genome position (GRCh38, 1-based): chr3:9,440,581, C>T. VCF-style: chr3-9440581-C-T. GRCh37 (hg19) VCF-style: chr3-9482265-C-T.
Other names: c.399C>T, p.Asn133= (NM_001292043.2, NM_001349451.2).
Identifiers: ClinVar variation 436684 (VCV000436684.32), dbSNP rs754366536, ClinGen allele CA2238992.